The following is an entry in ClinVar:

ClinVar aggregate classification (germline): Uncertain significance (1 of 4 stars; one submission).

gnomAD v4.1: 7 of 1,612,894 alleles (0.00043%); highest among the groups gnomAD compares: Non-Finnish European, 0.00051%; no homozygotes.

Submission:

GeneDx
Classification: Uncertain significance. Last evaluated: 2024-11-11. Review status: criteria provided, single submitter. Criteria: GeneDx Variant Classification Process June 2021. Collection method: clinical testing. Allele origin: germline. Affected: yes.
Comment: Not observed at significant frequency in large population cohorts (gnomAD); In silico analysis indicates that this missense variant does not alter protein structure/function; Has not been previously published as pathogenic or benign to our knowledge

NM_015512.5(DNAH1):c.2255G>A (p.Arg752Gln)

Gene: DNAH1 (dynein axonemal heavy chain 1; plus strand). Cytogenetic location: 3p21.1.
Variant type: single nucleotide variant.
Coding change: c.2255G>A on transcript NM_015512.5 (MANE Select); coding-DNA position 2255, G replaced by A.
Protein change: p.Arg752Gln; replaces arginine 752 with glutamine.
Molecular consequence: missense variant.
Genome position (GRCh38, 1-based): chr3:52,349,036, G>A. VCF-style: chr3-52349036-G-A. GRCh37 (hg19) VCF-style: chr3-52383052-G-A.
Other names: short protein forms R752Q.
Identifiers: ClinVar variation 3898861 (VCV003898861.1).